The following is an entry in ClinVar:

ClinVar aggregate classification (germline): Uncertain significance (1 of 4 stars; one submission).

Conditions:
Inborn genetic diseases. Identifiers: MedGen C0950123, MeSH D030342.

Submission:

Ambry Genetics
Classification: Uncertain significance for Inborn genetic diseases. Last evaluated: 2025-01-08. Review status: criteria provided, single submitter. Criteria: Ambry Variant Classification Scheme 2023. Collection method: clinical testing. Allele origin: germline.
Comment: The p.L1203P variant (also known as c.3608T>C), located in coding exon 17 of the MECOM gene, results from a T to C substitution at nucleotide position 3608. The leucine at codon 1203 is replaced by proline, an amino acid with similar properties. This amino acid position is conserved. In addition, this alteration is predicted to be deleterious by in silico analysis. Based on the available evidence, the clinical significance of this variant remains unclear.

NM_004991.4(MECOM):c.3608T>C (p.Leu1203Pro)

Gene: MECOM (MDS1 and EVI1 complex locus; minus strand). Cytogenetic location: 3q26.2.
Variant type: single nucleotide variant.
Coding change: c.3608T>C on transcript NM_004991.4 (MANE Select); coding-DNA position 3608, T replaced by C.
Protein change: p.Leu1203Pro; replaces leucine 1203 with proline.
Molecular consequence: missense variant.
Genome position (GRCh38, 1-based): chr3:169,085,021, A>G on the plus strand (T>C on the coding strand, the complement: MECOM is on the minus strand). VCF-style: chr3-169085021-A-G. GRCh37 (hg19) VCF-style: chr3-168802809-A-G.
Other names: c.3239T>C, p.Leu1080Pro (NM_001105077.4); c.3044T>C, p.Leu1015Pro (NM_001105078.4, NM_001205194.2, NM_001366469.2 and 1 more transcripts); c.3020T>C, p.Leu1007Pro (NM_001163999.2, NM_001366470.2); c.3017T>C, p.Leu1006Pro (NM_001164000.2, NM_001366471.2, NM_001366472.2); c.3581T>C, p.Leu1194Pro (NM_001366466.2); c.3047T>C, p.Leu1016Pro (NM_001366467.2, NM_001366468.2); c.2609T>C, p.Leu870Pro (NM_001366473.2); c.2045T>C, p.Leu682Pro (NM_001366474.2); short protein forms L1006P, L1016P, L1203P, L1015P, L682P, L1007P, L1194P, L870P.
Identifiers: ClinVar variation 3871684 (VCV003871684.1).